The following is an entry in ClinVar:

ClinVar aggregate classification (germline): Benign. Review status: criteria provided, multiple submitters, no conflicts (2 of 4 stars). 5 submissions from 5 submitters: Benign (4). 1 of the submissions does not count toward it. Last evaluated 2021-08-10.

Conditions:
Premature ovarian failure 6 (POF6). Identifiers: MedGen C2676742, MONDO:0012861, OMIM 612310.
FIGLA-related condition.

Allele frequency attached by ClinVar (database versions not stated): gnomAD 0.23021 and 0.21715; 1000 Genomes Project 30x 0.31496; TOPMed 0.21793; 1000 Genomes Project 0.32648.

Submissions (5):

Genome-Nilou Lab
Classification: Benign for Premature ovarian failure 6. Last evaluated: 2021-08-10. Review status: criteria provided, single submitter. Criteria: ACMG Guidelines, 2015. Collection method: clinical testing. Allele origin: germline. Affected: no.

Illumina Laboratory Services, Illumina
Classification: Benign for Premature ovarian failure 6. Last evaluated: 2018-01-12. Review status: criteria provided, single submitter. Criteria: ICSL Variant Classification Criteria 13 December 2019. Collection method: clinical testing. Allele origin: germline.
Comment: This variant was observed in the ICSL laboratory as part of a predisposition screen in an ostensibly healthy population. It had not been previously curated by ICSL or reported in the Human Gene Mutation Database (HGMD: prior to June 1st, 2018), and was therefore a candidate for classification through an automated scoring system. Utilizing variant allele frequency, disease prevalence and penetrance estimates, and inheritance mode, an automated score was calculated to assess if this variant is too frequent to cause the disease. Based on the score and internal cut-off values, a variant classified as benign is not then subjected to further curation. The score for this variant resulted in a classification of benign for this disease.

Eurofins Ntd Llc (ga)
Classification: Benign. Last evaluated: 2014-11-15. Review status: criteria provided, single submitter. Criteria: EGL Classification Definitions 2015. Collection method: clinical testing. Allele origin: germline. Observed: 3 variant alleles, 3 heterozygotes.

Breakthrough Genomics
Classification: Benign. Review status: criteria provided, single submitter. Criteria: ACMG Guidelines, 2015. Collection method: not provided. Allele origin: germline. Inheritance: Autosomal dominant inheritance. Affected: yes.

PreventionGenetics, part of Exact Sciences
Classification: Benign for FIGLA-related condition. Last evaluated: 2024-06-21. Review status: no assertion criteria provided. Collection method: clinical testing. Allele origin: germline. Not counted in ClinVar's aggregate classification.
Comment: This variant is classified as benign based on ACMG/AMP sequence variant interpretation guidelines (Richards et al. 2015 PMID: 25741868, with internal and published modifications).

NM_001004311.3(FIGLA):c.*5T>A

Gene: FIGLA (folliculogenesis specific bHLH transcription factor; minus strand). Cytogenetic location: 2p13.3.
Variant type: single nucleotide variant.
Coding change: c.*5T>A on transcript NM_001004311.3 (MANE Select); 5 bases downstream of the stop codon, T replaced by A.
Molecular consequence: 3 prime UTR variant.
Genome position (GRCh38, 1-based): chr2:70,777,362, A>T on the plus strand (T>A on the coding strand, the complement: FIGLA is on the minus strand). VCF-style: chr2-70777362-A-T. GRCh37 (hg19) VCF-style: chr2-71004494-A-T.
Identifiers: ClinVar variation 197698 (VCV000197698.13), dbSNP rs56135050, ClinGen allele CA203028.